The following is an entry in ClinVar:

NM_000059.4(BRCA2):c.314T>G (p.Leu105Ter)

Gene: BRCA2 (BRCA2 DNA repair associated; plus strand). Cytogenetic location: 13q13.1.
Variant type: single nucleotide variant.
Coding change: c.314T>G on transcript NM_000059.4 (MANE Select); coding-DNA position 314, T replaced by G.
Protein change: p.Leu105Ter; replaces leucine 105 with a stop codon.
Molecular consequence: nonsense.
Genome position (GRCh38, 1-based): chr13:32,319,323, T>G. VCF-style: chr13-32319323-T-G. GRCh37 (hg19) VCF-style: chr13-32893460-T-G.
Other names: 542T>G; short protein forms L105*.
Identifiers: ClinVar variation 51406 (VCV000051406.17), dbSNP rs80358561, ClinGen allele CA017305.

ClinVar aggregate classification (germline): Pathogenic. Review status: reviewed by expert panel (3 of 4 stars). 10 submissions from 10 submitters: Pathogenic (1). 9 of the submissions do not count toward it. Last evaluated 2016-04-22.

Conditions:
Hereditary cancer-predisposing syndrome. Also called: Neoplastic Syndromes, Hereditary; Tumor predisposition; Hereditary Cancer Syndrome; Hereditary neoplastic syndrome. Identifiers: Orphanet 140162, MedGen C0027672, MeSH D009386, MONDO:0015356.
Hereditary breast ovarian cancer syndrome. Also called: Hereditary breast and ovarian cancer syndrome; Hereditary breast and ovarian cancer; Hereditary breast and ovarian cancer syndrome (HBOC); Breast and ovarian cancer; Hereditary breast and/or ovarian cancer syndrome; BRCA1- and BRCA2-Associated Hereditary Breast and Ovarian Cancer. Identifiers: Orphanet 145, MedGen C0677776, MeSH D061325, MONDO:0003582. Disease mechanism: loss of function.
Breast-ovarian cancer, familial, susceptibility to, 2 (BROVCA2). Also called: BRCA2 Hereditary Breast and Ovarian Cancer. Identifiers: Orphanet 145, MedGen C2675520, MONDO:0012933, OMIM 612555. Disease mechanism: loss of function.
Breast and/or ovarian cancer. Identifiers: MedGen CN221562.
Familial cancer of breast. Also called: BREAST CANCER, FAMILIAL; Hereditary breast cancer; hereditary breast carcinoma. Identifiers: Orphanet 227535, MedGen C0346153, MONDO:0016419, OMIM 114480. Disease mechanism: loss of function.

Allele frequency attached by ClinVar (database versions not stated): gnomAD exomes below 0.00001.

Submissions (10):

Evidence-based Network for the Interpretation of Germline Mutant Alleles (ENIGMA)
Classification: Pathogenic for Breast-ovarian cancer, familial, susceptibility to, 2. Last evaluated: 2016-04-22. Review status: reviewed by expert panel. Criteria: ENIGMA BRCA1/2 Classification Criteria (2015). Collection method: curation. Allele origin: germline.
Comment: Variant allele predicted to encode a truncated non-functional protein.

Labcorp Genetics (formerly Invitae), Labcorp
Classification: Pathogenic for Hereditary breast ovarian cancer syndrome. Last evaluated: 2023-09-17. Review status: criteria provided, single submitter. Criteria: Invitae Variant Classification Sherloc (09022015). Collection method: clinical testing. Allele origin: germline. Not counted in ClinVar's aggregate classification.
Comment: For these reasons, this variant has been classified as Pathogenic. ClinVar contains an entry for this variant (Variation ID: 51406). This premature translational stop signal has been observed in individual(s) with clinical features of HBOC syndrome (PMID: 14735197, 25682074, 29446198). This variant is not present in population databases (gnomAD no frequency). This sequence change creates a premature translational stop signal (p.Leu105*) in the BRCA2 gene. It is expected to result in an absent or disrupted protein product. Loss-of-function variants in BRCA2 are known to be pathogenic (PMID: 20104584).

Ambry Genetics
Classification: Pathogenic for Hereditary cancer-predisposing syndrome. Last evaluated: 2022-08-02. Review status: criteria provided, single submitter. Criteria: Ambry Variant Classification Scheme 2023. Collection method: clinical testing. Allele origin: germline. Not counted in ClinVar's aggregate classification.
Comment: The p.L105* pathogenic mutation (also known as c.314T>G), located in coding exon 2 of the BRCA2 gene, results from a T to G substitution at nucleotide position 314. This changes the amino acid from a leucine to a stop codon within coding exon 2. This alteration was also identified in a large, worldwide study of BRCA1/2 mutation positive families (Rebbeck TR et al. Hum. Mutat. 2018 05;39:593-620). In addition to the clinical data presented in the literature, this alteration is expected to result in loss of function by premature protein truncation or nonsense-mediated mRNA decay. As such, this alteration is interpreted as a disease-causing mutation.

Baylor Genetics
Classification: Pathogenic for Familial cancer of breast. Last evaluated: 2022-03-03. Review status: criteria provided, single submitter. Criteria: ACMG Guidelines, 2015. Collection method: clinical testing. Allele origin: unknown. Not counted in ClinVar's aggregate classification.

Cancer Genetics and Genomics Laboratory, British Columbia Cancer Agency
Classification: Pathogenic for Hereditary breast ovarian cancer syndrome. Last evaluated: 2017-04-18. Review status: criteria provided, single submitter. Criteria: ACMG Guidelines, 2015. Collection method: clinical testing. Allele origin: germline. Study: The Canadian Open Genetics Repository (COGR). Not counted in ClinVar's aggregate classification.

Consortium of Investigators of Modifiers of BRCA1/2 (CIMBA), c/o University of Cambridge
Classification: Pathogenic for Breast-ovarian cancer, familial, susceptibility to, 2. Last evaluated: 2015-10-02. Review status: criteria provided, single submitter. Criteria: CIMBA Mutation Classification guidelines May 2016. Collection method: clinical testing. Allele origin: germline. Not counted in ClinVar's aggregate classification.

Sharing Clinical Reports Project (SCRP)
Classification: Pathogenic for Breast-ovarian cancer, familial 2. Last evaluated: 2009-02-28. Review status: no assertion criteria provided. Collection method: clinical testing. Allele origin: germline. Not counted in ClinVar's aggregate classification.

Breast Cancer Information Core (BIC) (BRCA2)
Classification: Pathogenic for Breast-ovarian cancer, familial 2. Last evaluated: 2002-05-29. Review status: no assertion criteria provided. Collection method: clinical testing. Allele origin: germline. Affected: yes. Observed: 4 variant alleles. Not counted in ClinVar's aggregate classification.

Foulkes Cancer Genetics LDI, Lady Davis Institute for Medical Research
Classification: Pathogenic for Breast and/or ovarian cancer. Last evaluated: 2000-12-05. Review status: no assertion criteria provided. Collection method: clinical testing. Allele origin: germline. Study: The Canadian Open Genetics Repository (COGR). Not counted in ClinVar's aggregate classification.

Department of Pathology and Laboratory Medicine, Sinai Health System
Classification: Uncertain significance. Review status: no assertion criteria provided. Collection method: clinical testing. Allele origin: unknown. Affected: yes. Observed: 2 variant alleles. Study: The Canadian Open Genetics Repository (COGR). Not counted in ClinVar's aggregate classification.

Literature cited by the submitters: PubMed 14735197 (cited by Labcorp Genetics (formerly Invitae), Labcorp and Ambry Genetics); PubMed 25682074 (cited by Labcorp Genetics (formerly Invitae), Labcorp and Ambry Genetics); PubMed 29446198 (cited by Labcorp Genetics (formerly Invitae), Labcorp and Ambry Genetics); PubMed 20104584 (cited by Labcorp Genetics (formerly Invitae), Labcorp).